The following is an entry in ClinVar:

ClinVar aggregate classification (germline): Pathogenic/Likely pathogenic. Review status: criteria provided, multiple submitters, no conflicts (2 of 4 stars). 3 submissions from 3 submitters: Pathogenic (2); Likely pathogenic (1). Last evaluated 2026-03-24.

Conditions:
Intellectual developmental disorder, autosomal dominant 56. Also called: MENTAL RETARDATION, AUTOSOMAL DOMINANT 56; Intellectual disability, autosomal dominant 56. Identifiers: MedGen C4693389, MONDO:0030922, OMIM 617854.

Submissions (3):

GeneDx
Classification: Pathogenic. Last evaluated: 2026-03-24. Review status: criteria provided, single submitter. Criteria: GeneDx Variant Classification Process June 2021. Collection method: clinical testing. Allele origin: germline.
Comment: Frameshift variant predicted to result in protein truncation or nonsense mediated decay in a gene for which loss of function is a known mechanism of disease; Not observed at significant frequency in large population cohorts (gnomAD); Has not been previously published as pathogenic or benign to our knowledge

Laboratorio de Genetica e Diagnostico Molecular, Hospital Israelita Albert Einstein
Classification: Likely pathogenic for Intellectual developmental disorder, autosomal dominant 56. Last evaluated: 2025-02-25. Review status: criteria provided, single submitter. Criteria: ACMG Guidelines, 2015. Collection method: clinical testing. Allele origin: germline. Affected: yes.
Comment: ACMG classification criteria: PVS1 very strong, PM2 supporting

University of Washington Department of Laboratory Medicine, University of Washington
Classification: Pathogenic for Intellectual developmental disorder, autosomal dominant 56. Last evaluated: 2023-12-08. Review status: criteria provided, single submitter. Criteria: ACMG Guidelines, 2015. Collection method: clinical testing. Allele origin: de novo. Affected: yes.
Comment: The p.Ser1524Cysfs*19 variant leads to a premature termination codon in exon 29 of 32 exons and is predicted to undergo nonsense-mediated decay resulting in an absent protein. These predictions have not been tested directly. Heterozygous loss of function leading to haploinsufficiency of the CLTC gene is an established mechanism of disease. Using ACMG guidelines, this variant was classified as pathogenic for autosomal dominant CLTC-associated intellectual developmental disorder (ACMG evidence codes used: PVS1, PS2_moderate, PM2_supporting).

NM_004859.4(CLTC):c.4570_4571del (p.Ser1524fs)

Genes: CLTC (clathrin heavy chain; plus strand), LOC125177523 (Sharpr-MPRA regulatory region 12460; plus strand). Cytogenetic location: 17q23.1.
Variant type: Microsatellite.
Coding change: c.4570_4571del on transcript NM_004859.4 (MANE Select); coding-DNA positions 4570 to 4571, 2 bases deleted (AG; older notation c.4570_4571delAG).
Protein change: p.Ser1524fs; shifts the reading frame from serine 1524.
Molecular consequence: frameshift variant.
Genome position (GRCh38, 1-based): chr17:59,685,191-59,685,192, AG deleted; deleting any 2 consecutive bases within chr17:59,685,189-59,685,192 gives the same sequence; the c. name uses the placement nearest the transcript's 3' end. VCF-style (leftmost placement, unchanged base first): chr17-59685188-CAG-C. GRCh37 (hg19) VCF-style: chr17-57762549-CAG-C.
Other names: c.4582_4583del (NM_001288653.1); c.4570_4571del (NM_004859.3); c.4582_4583del, p.Ser1528fs (NM_001288653.2); short protein forms S1524fs, S1528fs.
Identifiers: ClinVar variation 3777088 (VCV003777088.4).